The following is an entry in ClinVar:

ClinVar aggregate classification (germline): Uncertain significance. Review status: criteria provided, multiple submitters, no conflicts (2 of 4 stars). 2 submissions from 2 submitters: Uncertain significance (2). Last evaluated 2023-05-20.

Conditions:
Congenital myopathy with fiber type disproportion. Also called: Congenital fiber-type disproportion myopathy; Congenital fiber-type disproportion. Identifiers: Orphanet 2020, MedGen C0546264, MONDO:0009711. Inheritance: all.
Congenital myopathy 4B, autosomal recessive. Also called: Nemaline myopathy 1, autosomal dominant or recessive. Identifiers: Orphanet 171433, Orphanet 171439, Orphanet 171881, MedGen C5829889, MONDO:0012239, OMIM 609284.
Congenital myopathy 4A, autosomal dominant (CMYO4A). Identifiers: MedGen CN178536, MONDO:0800341, OMIM 255310.

Allele frequency attached by ClinVar (database versions not stated): gnomAD 0.00001; gnomAD exomes 0.00001; TOPMed 0.00001; ExAC 0.00002; ESP Exome Variant Server 0.00008.
gnomAD v4.1: 11 of 1,614,072 alleles (0.00068%); highest among the groups gnomAD compares: South Asian, 0.0044%; 1 homozygote.

Submissions (2):

Neuberg Centre For Genomic Medicine, NCGM
Classification: Uncertain significance for Congenital myopathy 4A, autosomal dominant. Last evaluated: 2023-05-20. Review status: criteria provided, single submitter. Criteria: ACMG Guidelines, 2015. Collection method: clinical testing. Allele origin: germline. Inheritance: Autosomal dominant inheritance. Affected: yes.
Comment: The observed missense variant c.832G>A(p.Ala278Thr) in the TPM3 gene has not been reported previously as a pathogenic variant nor as a benign variant, to our knowledge. This variant is reported with the allele frequency 0.001% in the gnomAD Exomes. This variant has been reported to the ClinVar database as Uncertain Significance. However, no details are available for independent assessment. The amino acid Alanine at position 278 is changed to a Threonine changing protein sequence and it might alter its composition and physico-chemical properties. Computational evidence (MutationTaster - Disease causing) predict a damaging effect on protein structure and function for this variant. The residue is conserved by GERP++ and PhyloP across 100 vertebrates. For these reasons, this variant has been classified as Uncertain Significance.

Labcorp Genetics (formerly Invitae), Labcorp
Classification: Uncertain significance for Congenital myopathy with fiber type disproportion; Congenital myopathy 4B, autosomal recessive. Last evaluated: 2020-05-21. Review status: criteria provided, single submitter. Criteria: Invitae Variant Classification Sherloc (09022015). Collection method: clinical testing. Allele origin: germline.
Comment: This variant is present in population databases (rs377438824, ExAC 0.02%). In summary, the available evidence is currently insufficient to determine the role of this variant in disease. Therefore, it has been classified as a Variant of Uncertain Significance. Algorithms developed to predict the effect of missense changes on protein structure and function (SIFT, PolyPhen-2, Align-GVGD) all suggest that this variant is likely to be tolerated, but these predictions have not been confirmed by published functional studies and their clinical significance is uncertain. This variant has not been reported in the literature in individuals with TPM3-related conditions. This sequence change replaces alanine with threonine at codon 278 of the TPM3 protein (p.Ala278Thr). The alanine residue is highly conserved and there is a small physicochemical difference between alanine and threonine.

NM_152263.4(TPM3):c.832G>A (p.Ala278Thr)

Gene: TPM3 (tropomyosin 3; minus strand). Cytogenetic location: 1q21.3.
Variant type: single nucleotide variant.
Coding change: c.832G>A on transcript NM_152263.4 (MANE Select); coding-DNA position 832, G replaced by A.
Protein change: p.Ala278Thr; replaces alanine 278 with threonine.
Molecular consequence: missense variant. On other transcripts: intron variant (10).
Genome position (GRCh38, 1-based): chr1:154,169,327, C>T on the plus strand (G>A on the coding strand, the complement: TPM3 is on the minus strand). VCF-style: chr1-154169327-C-T. GRCh37 (hg19) VCF-style: chr1-154141803-C-T.
Other names: c.721G>A, p.Ala241Thr (NM_001278189.2, NM_001349679.2, NM_001364683.1); c.832G>A, p.Ala278Thr (NM_001364682.1); c.775+1073G>A (NM_001364679.2, NM_001364681.2, NM_001364680.2); c.466+1073G>A (NM_001278188.2); c.664+1073G>A (NM_001043351.2, NM_001043353.2, NM_153649.4 and 1 more transcripts); c.601+1073G>A (NM_001278190.2); c.394+1073G>A (NM_001278191.2); short protein forms A241T, A278T.
Identifiers: ClinVar variation 1064391 (VCV001064391.12), dbSNP rs377438824, ClinGen allele CA1125503.
Genomic context (GRCh38, chr1:154,169,327, plus strand): 5'-GCCAAGATCCCAGCCCCACTCTACTGTCAGATAGTTACATAGAGGTCATGTCATTGAGGG[C>T]GTGGTCCAGCTCCTCGCTAATGGCCTTGTACTTCAGTTTCTGGGCATAGAGCTCATCTGG-3'
Protein context (NP_689476.2, residues 268-285): YKAISEELDH[Ala278Thr]LNDMTSI